The following is an entry in ClinVar:

ClinVar aggregate classification (germline): Pathogenic (1 of 4 stars; one submission).

Conditions:
Hereditary angioedema type 1 (HAE1). Identifiers: Orphanet 100050, Orphanet 100051, Orphanet 91378, MedGen C2717906, MONDO:0015053, OMIM 106100.

Submission:

DNA-diagnostics Laboratory, Research Centre For Medical Genetics
Classification: Pathogenic for Hereditary angioedema type 1. Last evaluated: 2024-08-16. Review status: criteria provided, single submitter. Criteria: ACMG Guidelines, 2015. Collection method: research. Allele origin: unknown. Inheritance: Autosomal dominant inheritance. Affected: yes. Observed: 1 heterozygote.
Comment: The pathogenic or likely pathogenic SERPING1 gene variants are detected in >90% of the HAE1/2 families and in >80% of the total HAE families (e.g., DOI: 10.1016/j.molimm.2008.05.007, 10.1159/2F000138883, 10.1016/j.molimm.2011.07.010). Across all SERPING1 gene exons, about 50% of the pathogenic or likely pathogenic variants associated with HAE are LoF (173/297 in ClinVar or 292/596 in HGMD 2022.1). According to our observation the c.954delA variant in SERPING1 meets ACMG/ClinGen SVI guidance criteria to be classified as pathogenic: PVS1, PP4_Mod, PM2_Sup

NM_000062.3(SERPING1):c.954del (p.Val319fs)

Gene: SERPING1 (serpin family G member 1; plus strand). Cytogenetic location: 11q12.1.
Variant type: Deletion.
Coding change: c.954del on transcript NM_000062.3 (MANE Select); coding-DNA position 954, one base deleted (A; older notation c.954delA).
Protein change: p.Val319fs; shifts the reading frame from valine 319.
Molecular consequence: frameshift variant.
Genome position (GRCh38, 1-based): chr11:57,606,472, A deleted. VCF-style (leftmost placement, unchanged base first): chr11-57606471-CA-C. GRCh37 (hg19) VCF-style: chr11-57373944-CA-C.
Other names: c.954del, p.Val319fs (NM_001032295.2); c.954delA (NM_000062.3); short protein forms V319fs.
Identifiers: ClinVar variation 3338033 (VCV003338033.2).